The following is an entry in ClinVar:

ClinVar aggregate classification (germline): Uncertain significance (1 of 4 stars; one submission).

Submission:

Labcorp Genetics (formerly Invitae), Labcorp
Classification: Uncertain significance. Last evaluated: 2023-08-11. Review status: criteria provided, single submitter. Criteria: Invitae Variant Classification Sherloc (09022015). Collection method: clinical testing. Allele origin: germline.
Comment: This variant results in a copy number gain of the genomic region encompassing exon(s) 1 of the ABHD12 gene. This region includes the initiator codon of the gene. This copy number gain extends beyond the assayed region for this gene and therefore may encompass additional genes. As the precise location of this event is unknown, it may be in tandem or it may be located elsewhere in the genome. This variant has not been reported in the literature in individuals affected with ABHD12-related conditions. Experimental studies and prediction algorithms are not available or were not evaluated, and the functional significance of this variant is currently unknown. In summary, the available evidence is currently insufficient to determine the role of this variant in disease. Therefore, it has been classified as a Variant of Uncertain Significance.

NC_000020.10:g.(?_25371129)_(25426627_?)dup

Genes: ABHD12 (abhydrolase domain containing 12, lysophospholipase; minus strand), GINS1 (GINS complex subunit 1; plus strand). Cytogenetic location: 20p11.21.
Variant type: Duplication.
Identifiers: ClinVar variation 1447167 (VCV001447167.5).